The following is an entry in ClinVar:

NM_004369.4(COL6A3):c.8348T>C (p.Val2783Ala)

Gene: COL6A3 (collagen type VI alpha 3 chain; minus strand). Cytogenetic location: 2q37.3.
Variant type: single nucleotide variant.
Coding change: c.8348T>C on transcript NM_004369.4 (MANE Select); coding-DNA position 8348, T replaced by C.
Protein change: p.Val2783Ala; replaces valine 2783 with alanine.
Molecular consequence: missense variant.
Genome position (GRCh38, 1-based): chr2:237,340,568, A>G on the plus strand (T>C on the coding strand, the complement: COL6A3 is on the minus strand). VCF-style: chr2-237340568-A-G. GRCh37 (hg19) VCF-style: chr2-238249211-A-G.
Other names: c.6527T>C, p.Val2176Ala (NM_057166.5); c.7730T>C, p.Val2577Ala (NM_057167.4); short protein forms V2577A, V2783A, V2176A.
Identifiers: ClinVar variation 4742018 (VCV004742018.1).

ClinVar aggregate classification (germline): Uncertain significance (1 of 4 stars; one submission).

Conditions:
Bethlem myopathy 1A. Also called: MYOPATHY, BENIGN CONGENITAL, WITH CONTRACTURES; Bethlem myopathy 1; Bethlem Muscular Dystrophy. Identifiers: Orphanet 610, MedGen CN029274, MONDO:0024530, OMIM 158810.

gnomAD v4.1: 1 of 1,614,096 alleles (0.000062%); highest among the groups gnomAD compares: Non-Finnish European, 0.000085%; no homozygotes.

Submission:

Labcorp Genetics (formerly Invitae), Labcorp
Classification: Uncertain significance for Bethlem myopathy 1A. Last evaluated: 2025-08-03. Review status: criteria provided, single submitter. Criteria: Invitae Variant Classification Sherloc (09022015). Collection method: clinical testing. Allele origin: germline.
Comment: This sequence change replaces valine, which is neutral and non-polar, with alanine, which is neutral and non-polar, at codon 2783 of the COL6A3 protein (p.Val2783Ala). This variant is not present in population databases (gnomAD no frequency). This variant has not been reported in the literature in individuals affected with COL6A3-related conditions. Invitae Evidence Modeling of protein sequence and biophysical properties (such as structural, functional, and spatial information, amino acid conservation, physicochemical variation, residue mobility, and thermodynamic stability) indicates that this missense variant is not expected to disrupt COL6A3 protein function with a negative predictive value of 80%. In summary, the available evidence is currently insufficient to determine the role of this variant in disease. Therefore, it has been classified as a Variant of Uncertain Significance.